The following is an entry in ClinVar:

ClinVar aggregate classification (germline): Uncertain significance (1 of 4 stars; one submission).

gnomAD v4.1: 42 of 1,608,996 alleles (0.0026%); highest among the groups gnomAD compares: Admixed American, 0.017%; no homozygotes.

Submission:

Labcorp Genetics (formerly Invitae), Labcorp
Classification: Uncertain significance. Last evaluated: 2026-01-18. Review status: criteria provided, single submitter. Criteria: Invitae Variant Classification Sherloc (09022015). Collection method: clinical testing. Allele origin: germline.
Comment: This sequence change replaces glycine, which is neutral and non-polar, with serine, which is neutral and polar, at codon 289 of the NUP62 protein (p.Gly289Ser). This variant is present in population databases (rs773398011, gnomAD 0.02%). This variant has not been reported in the literature in individuals affected with NUP62-related conditions. An algorithm developed to predict the effect of missense changes on protein structure and function outputs the following: PolyPhen-2: "Benign". The serine amino acid residue is found in multiple mammalian species, which suggests that this missense change does not adversely affect protein function. In summary, the available evidence is currently insufficient to determine the role of this variant in disease. Therefore, it has been classified as a Variant of Uncertain Significance.

NM_016553.5(NUP62):c.865G>A (p.Gly289Ser)

Genes: IL4I1 (interleukin 4 induced 1; minus strand), NUP62 (nucleoporin 62; minus strand). Cytogenetic location: 19q13.33.
Variant type: single nucleotide variant.
Coding change: c.865G>A on transcript NM_016553.5 (MANE Select); coding-DNA position 865, G replaced by A.
Protein change: p.Gly289Ser; replaces glycine 289 with serine.
Molecular consequence: missense variant. On other transcripts: intron variant (3).
Genome position (GRCh38, 1-based): chr19:49,908,943, C>T on the plus strand (G>A on the coding strand, the complement: NUP62 is on the minus strand). VCF-style: chr19-49908943-C-T. GRCh37 (hg19) VCF-style: chr19-50412200-C-T.
Other names: c.865G>A, p.Gly289Ser (NM_001193357.2, NM_012346.5, NM_153718.4 and 1 more transcripts); c.-227-4622G>A (NM_001258017.2, NM_172374.3); c.-285-4622G>A (NM_001258018.2); short protein forms G289S.
Identifiers: ClinVar variation 4692864 (VCV004692864.1).